The following is an entry in ClinVar:

NM_006922.4(SCN3A):c.301C>T (p.Arg101Ter)

Gene: SCN3A (sodium voltage-gated channel alpha subunit 3; minus strand). Cytogenetic location: 2q24.3.
Variant type: single nucleotide variant.
Coding change: c.301C>T on transcript NM_006922.4 (MANE Select); coding-DNA position 301, C replaced by T.
Protein change: p.Arg101Ter; replaces arginine 101 with a stop codon.
Molecular consequence: nonsense.
Genome position (GRCh38, 1-based): chr2:165,170,512, G>A on the plus strand (C>T on the coding strand, the complement: SCN3A is on the minus strand). VCF-style: chr2-165170512-G-A. GRCh37 (hg19) VCF-style: chr2-166027022-G-A.
Other names: c.301C>T, p.Arg101Ter (NM_001081676.2, NM_001081677.2); short protein forms R101*.
Identifiers: ClinVar variation 2631694 (VCV002631694.2), dbSNP rs1334942208, ClinGen allele CA349240591.

ClinVar aggregate classification (germline): Uncertain significance (0 of 4 stars; one submission).

Conditions:
SCN3A-related disorder. Also called: SCN3A-related condition.

gnomAD v4.1: 6 of 1,610,618 alleles (0.00037%); highest among the groups gnomAD compares: Non-Finnish European, 0.00042%; no homozygotes.

Submission:

PreventionGenetics, part of Exact Sciences
Classification: Uncertain significance for SCN3A-related condition. Last evaluated: 2024-06-10. Review status: no assertion criteria provided. Collection method: clinical testing. Allele origin: germline.
Comment: The SCN3A c.301C>T variant is predicted to result in premature protein termination (p.Arg101*). To our knowledge, this variant has not been reported in the literature. This variant is reported in 0.029% of alleles in individuals of European (Finnish) descent in gnomAD. Loss of function has not been conclusively established as a mechanism for SCN3A-related disorders. At this time, the clinical significance of this variant is uncertain due to the absence of conclusive functional and genetic evidence.